The following is an entry in ClinVar:

NM_001375524.1(TRRAP):c.5081C>T (p.Ala1694Val)

Genes: TRRAP (transformation/transcription domain associated protein; plus strand), LOC126860121 (MED14-independent group 3 enhancer GRCh37_chr7:98547245-98548444; plus strand). Cytogenetic location: 7q22.1.
Variant type: single nucleotide variant.
Coding change: c.5081C>T on transcript NM_001375524.1 (MANE Select); coding-DNA position 5081, C replaced by T.
Protein change: p.Ala1694Val; replaces alanine 1694 with valine.
Molecular consequence: missense variant.
Genome position (GRCh38, 1-based): chr7:98,949,787, C>T. VCF-style: chr7-98949787-C-T. GRCh37 (hg19) VCF-style: chr7-98547410-C-T.
Other names: c.5060C>T, p.Ala1687Val (NM_001244580.2); c.5006C>T, p.Ala1669Val (NM_003496.4); short protein forms A1669V, A1687V, A1694V.
Identifiers: ClinVar variation 3384552 (VCV003384552.1).

ClinVar aggregate classification (germline): Uncertain significance (1 of 4 stars; one submission).

Submission:

GeneDx
Classification: Uncertain significance. Last evaluated: 2024-06-03. Review status: criteria provided, single submitter. Criteria: GeneDx Variant Classification Process June 2021. Collection method: clinical testing. Allele origin: germline. Affected: yes.
Comment: Not observed at significant frequency in large population cohorts (gnomAD); In silico analysis indicates that this missense variant does not alter protein structure/function; Has not been previously published as pathogenic or benign to our knowledge